The following is an entry in ClinVar:

NM_018896.5(CACNA1G):c.1648G>A (p.Ala550Thr)

Gene: CACNA1G (calcium voltage-gated channel subunit alpha1 G; plus strand). Cytogenetic location: 17q21.33.
Variant type: single nucleotide variant.
Coding change: c.1648G>A on transcript NM_018896.5 (MANE Select); coding-DNA position 1648, G replaced by A.
Protein change: p.Ala550Thr; replaces alanine 550 with threonine.
Molecular consequence: missense variant. On other transcripts: non-coding transcript variant (5).
Genome position (GRCh38, 1-based): chr17:50,576,050, G>A. VCF-style: chr17-50576050-G-A. GRCh37 (hg19) VCF-style: chr17-48653411-G-A.
Other names: c.1648G>A, p.Ala550Thr (NM_001256324.2, NM_001256325.2, NM_001256326.2 and 24 more transcripts); short protein forms A550T.
Identifiers: ClinVar variation 2439673 (VCV002439673.6), dbSNP rs748354117, ClinGen allele CA8652216.
Genomic context (GRCh38, chr17:50,576,050, plus strand): 5'-CGCCGGCTCATGCTGCCACCACCCTCGACGCCTGCCCTCTCCGGGGCCCCCCCTGGTGGC[G>A]CAGAGTCTGTGCACAGCTTCTACCATGCCGACTGCCACTTAGAGCCAGTCCGCTGCCAGG-3'
Protein context (NP_061496.2, residues 540-560): PALSGAPPGG[Ala550Thr]ESVHSFYHAD

ClinVar aggregate classification (germline): Uncertain significance. Review status: criteria provided, multiple submitters, no conflicts (2 of 4 stars). 2 submissions from 2 submitters: Uncertain significance (2). Last evaluated 2022-10-31.

Allele frequency attached by ClinVar (database versions not stated): gnomAD exomes 0.00001; TOPMed 0.00002; gnomAD 0.00004; ExAC 0.00015.
gnomAD v4.1: 20 of 1,577,054 alleles (0.0013%); highest among the groups gnomAD compares: Middle Eastern, 0.033%; no homozygotes.

Submissions (2):

Labcorp Genetics (formerly Invitae), Labcorp
Classification: Uncertain significance. Last evaluated: 2022-10-31. Review status: criteria provided, single submitter. Criteria: Invitae Variant Classification Sherloc (09022015). Collection method: clinical testing. Allele origin: germline.
Comment: In summary, the available evidence is currently insufficient to determine the role of this variant in disease. Therefore, it has been classified as a Variant of Uncertain Significance. Advanced modeling of protein sequence and biophysical properties (such as structural, functional, and spatial information, amino acid conservation, physicochemical variation, residue mobility, and thermodynamic stability) performed at Invitae indicates that this missense variant is not expected to disrupt CACNA1G protein function. This variant has not been reported in the literature in individuals affected with CACNA1G-related conditions. The frequency data for this variant in the population databases is considered unreliable, as metrics indicate poor data quality at this position in the gnomAD database. This sequence change replaces alanine, which is neutral and non-polar, with threonine, which is neutral and polar, at codon 550 of the CACNA1G protein (p.Ala550Thr).

Revvity Omics, Revvity
Classification: Uncertain significance. Last evaluated: 2021-11-15. Review status: criteria provided, single submitter. Criteria: ACMG Guidelines, 2015. Collection method: clinical testing. Allele origin: germline.